The following is an entry in ClinVar:

ClinVar aggregate classification (germline): Uncertain significance (1 of 4 stars; one submission).

Allele frequency attached by ClinVar (database versions not stated): TOPMed 0.00001.

Submission:

Labcorp Genetics (formerly Invitae), Labcorp
Classification: Uncertain significance. Last evaluated: 2023-08-21. Review status: criteria provided, single submitter. Criteria: Invitae Variant Classification Sherloc (09022015). Collection method: clinical testing. Allele origin: germline.
Comment: This variant has not been reported in the literature in individuals affected with IL12RB2-related conditions. This variant is not present in population databases (gnomAD no frequency). This sequence change replaces glutamic acid, which is acidic and polar, with glutamine, which is neutral and polar, at codon 532 of the IL12RB2 protein (p.Glu532Gln). In summary, the available evidence is currently insufficient to determine the role of this variant in disease. Therefore, it has been classified as a Variant of Uncertain Significance. An algorithm developed to predict the effect of missense changes on protein structure and function (PolyPhen-2) suggests that this variant is likely to be tolerated.

NM_001374259.2(IL12RB2):c.1594G>C (p.Glu532Gln)

Gene: IL12RB2 (interleukin 12 receptor subunit beta 2; plus strand). Cytogenetic location: 1p31.3.
Variant type: single nucleotide variant.
Coding change: c.1594G>C on transcript NM_001374259.2 (MANE Select); coding-DNA position 1594, G replaced by C.
Protein change: p.Glu532Gln; replaces glutamic acid 532 with glutamine.
Molecular consequence: missense variant. On other transcripts: non-coding transcript variant (1), intron variant (1).
Genome position (GRCh38, 1-based): chr1:67,372,660, G>C. VCF-style: chr1-67372660-G-C. GRCh37 (hg19) VCF-style: chr1-67838343-G-C.
Other names: c.1594G>C, p.Glu532Gln (NM_001258214.1, NM_001258216.1, NM_001319233.1 and 1 more transcripts); c.1459+4635G>C (NM_001258215.1); short protein forms E532Q.
Identifiers: ClinVar variation 2878098 (VCV002878098.3), dbSNP rs775440986, ClinGen allele CA340729630.